The following is an entry in ClinVar:

ClinVar aggregate classification (germline): Uncertain significance. Review status: criteria provided, multiple submitters, no conflicts (2 of 4 stars). 2 submissions from 2 submitters: Uncertain significance (2). Last evaluated 2025-06-26.

Conditions:
Hereditary cancer-predisposing syndrome. Also called: Neoplastic Syndromes, Hereditary; Tumor predisposition; Hereditary Cancer Syndrome; Hereditary neoplastic syndrome. Identifiers: Orphanet 140162, MedGen C0027672, MeSH D009386, MONDO:0015356.
Ataxia-telangiectasia-like disorder (ATLD). Identifiers: MedGen C1858391, MONDO:0011457.

Allele frequency attached by ClinVar (database versions not stated): gnomAD exomes below 0.00001.
gnomAD v4.1: 1 of 1,614,026 alleles (0.000062%); highest among the groups gnomAD compares: East Asian, 0.0022%; no homozygotes.

Submissions (2):

Ambry Genetics
Classification: Uncertain significance for Hereditary cancer-predisposing syndrome. Last evaluated: 2025-06-26. Review status: criteria provided, single submitter. Criteria: Ambry Variant Classification Scheme 2023. Collection method: clinical testing. Allele origin: germline.
Comment: The p.R577S variant (also known as c.1731A>C), located in coding exon 14 of the MRE11A gene, results from an A to C substitution at nucleotide position 1731. The arginine at codon 577 is replaced by serine, an amino acid with dissimilar properties. This amino acid position is conserved. In addition, the in silico prediction for this alteration is inconclusive. Based on the available evidence, the clinical significance of this variant remains unclear.

Labcorp Genetics (formerly Invitae), Labcorp
Classification: Uncertain significance for Ataxia-telangiectasia-like disorder. Last evaluated: 2018-12-16. Review status: criteria provided, single submitter. Criteria: Invitae Variant Classification Sherloc (09022015). Collection method: clinical testing. Allele origin: germline.
Comment: This sequence change replaces arginine with serine at codon 577 of the MRE11 protein (p.Arg577Ser). The arginine residue is moderately conserved and there is a moderate physicochemical difference between arginine and serine. This variant is not present in population databases (ExAC no frequency). This variant has not been reported in the literature in individuals with MRE11-related conditions. Algorithms developed to predict the effect of missense changes on protein structure and function are either unavailable or do not agree on the potential impact of this missense change (SIFT: "Tolerated"; PolyPhen-2: "Probably Damaging"; Align-GVGD: "Class C0"). In summary, the available evidence is currently insufficient to determine the role of this variant in disease. Therefore, it has been classified as a Variant of Uncertain Significance.

NM_005591.4(MRE11):c.1731A>C (p.Arg577Ser)

Gene: MRE11 (MRE11 double strand break repair nuclease; minus strand). Cytogenetic location: 11q21.
Variant type: single nucleotide variant.
Coding change: c.1731A>C on transcript NM_005591.4 (MANE Select); coding-DNA position 1731, A replaced by C.
Protein change: p.Arg577Ser; replaces arginine 577 with serine.
Molecular consequence: missense variant.
Genome position (GRCh38, 1-based): chr11:94,447,271, T>G on the plus strand (A>C on the coding strand, the complement: MRE11 is on the minus strand). VCF-style: chr11-94447271-T-G. GRCh37 (hg19) VCF-style: chr11-94180437-T-G.
Other names: c.1731A>C, p.Arg577Ser (NM_001330347.2, NM_005590.4); short protein forms R577S.
Identifiers: ClinVar variation 651436 (VCV000651436.9), dbSNP rs1591654959, ClinGen allele CA382368212.